The following is an entry in ClinVar:

ClinVar aggregate classification (germline): Conflicting classifications of pathogenicity. Review status: criteria provided, conflicting classifications (1 of 4 stars). 5 submissions from 5 submitters: Uncertain significance (4); Likely benign (1). Last evaluated 2024-11-12.

Conditions:
Primary ciliary dyskinesia. Also called: Ciliary dyskinesia. Identifiers: Orphanet 244, MedGen C0008780, MONDO:0016575, HP:0012265.
Inborn genetic diseases. Identifiers: MedGen C0950123, MeSH D030342.

Allele frequency attached by ClinVar (database versions not stated): gnomAD exomes 0.00046; ExAC 0.00030; gnomAD 0.00039; TOPMed 0.00037; ESP Exome Variant Server 0.00054.
gnomAD v4.1: 725 of 1,613,244 alleles (0.045%); highest among the groups gnomAD compares: Non-Finnish European, 0.05%; 1 homozygote.

Submissions (5):

Blueprint Genetics
Classification: Likely benign. Last evaluated: 2024-11-12. Review status: criteria provided, single submitter. Criteria: ACMG Guidelines, 2015. Collection method: clinical testing. Allele origin: germline.

Molecular Genetics McLendon Clinical Laboratories, University of North Carolina at Chapel Hill
Classification: Uncertain significance for Primary ciliary dyskinesia. Last evaluated: 2024-10-24. Review status: criteria provided, single submitter. Criteria: ACMG Guidelines, 2015. Collection method: clinical testing. Allele origin: germline.

Mayo Clinic Laboratories, Mayo Clinic
Classification: Uncertain significance. Last evaluated: 2024-09-05. Review status: criteria provided, single submitter. Criteria: ACMG Guidelines, 2015. Collection method: clinical testing. Allele origin: germline. Observed: 1 variant allele.
Comment: BP4

Ambry Genetics
Classification: Uncertain significance for Inborn genetic diseases. Last evaluated: 2022-12-19. Review status: criteria provided, single submitter. Criteria: Ambry Variant Classification Scheme 2023. Collection method: clinical testing. Allele origin: germline.

Labcorp Genetics (formerly Invitae), Labcorp
Classification: Uncertain significance. Last evaluated: 2022-09-23. Review status: criteria provided, single submitter. Criteria: Invitae Variant Classification Sherloc (09022015). Collection method: clinical testing. Allele origin: germline.
Comment: This sequence change replaces methionine, which is neutral and non-polar, with lysine, which is basic and polar, at codon 3593 of the DNAH9 protein (p.Met3593Lys). This variant is present in population databases (rs150585387, gnomAD 0.1%). This variant has not been reported in the literature in individuals affected with DNAH9-related conditions. Advanced modeling of protein sequence and biophysical properties (such as structural, functional, and spatial information, amino acid conservation, physicochemical variation, residue mobility, and thermodynamic stability) performed at Invitae indicates that this missense variant is not expected to disrupt DNAH9 protein function. In summary, the available evidence is currently insufficient to determine the role of this variant in disease. Therefore, it has been classified as a Variant of Uncertain Significance.

NM_001372.4(DNAH9):c.10778T>A (p.Met3593Lys)

Genes: DNAH9 (dynein axonemal heavy chain 9; plus strand), LOC101928350 (uncharacterized LOC101928350; minus strand). Cytogenetic location: 17p12.
Variant type: single nucleotide variant.
Coding change: c.10778T>A on transcript NM_001372.4 (MANE Select); coding-DNA position 10778, T replaced by A.
Protein change: p.Met3593Lys; replaces methionine 3593 with lysine.
Molecular consequence: missense variant.
Genome position (GRCh38, 1-based): chr17:11,881,385, T>A. VCF-style: chr17-11881385-T-A. GRCh37 (hg19) VCF-style: chr17-11784702-T-A.
Other names: p.Met3593Lys; short protein forms M3593K.
Identifiers: ClinVar variation 2048419 (VCV002048419.5), dbSNP rs150585387, ClinGen allele CA8397626.
Genomic context (GRCh38, chr17:11,881,385, plus strand): 5'-TCAACTTCACCGTGACCAGGGATGGCCTGGAGGACCAGTTGCTGGCCGCTGTGGTCAGCA[T>A]GGAGAGGCCAGACTTGGAGCAGCTGAAGGTGAGGACAGAAGGGAGAAAATGTTCTGCCAC-3'
Protein context (NP_001363.2, residues 3583-3603): EDQLLAAVVS[Met3593Lys]ERPDLEQLKS